The following is an entry in ClinVar:

NM_021098.3(CACNA1H):c.2992C>T (p.Leu998Phe)

Gene: CACNA1H (calcium voltage-gated channel subunit alpha1 H; plus strand). Cytogenetic location: 16p13.3.
Variant type: single nucleotide variant.
Coding change: c.2992C>T on transcript NM_021098.3 (MANE Select); coding-DNA position 2992, C replaced by T.
Protein change: p.Leu998Phe; replaces leucine 998 with phenylalanine.
Molecular consequence: missense variant.
Genome position (GRCh38, 1-based): chr16:1,207,359, C>T. VCF-style: chr16-1207359-C-T. GRCh37 (hg19) VCF-style: chr16-1257359-C-T.
Other names: c.2992C>T, p.Leu998Phe (NM_001005407.2); short protein forms L998F.
Identifiers: ClinVar variation 1494201 (VCV001494201.8), dbSNP rs768438272, ClinGen allele CA394170404.

ClinVar aggregate classification (germline): Uncertain significance (1 of 4 stars; one submission).

Conditions:
Idiopathic generalized epilepsy. Also called: Generalised epilepsy; EIG. Identifiers: MedGen C0270850, MONDO:0005579, OMIM 600669.
Hyperaldosteronism, familial, type IV (HALD4). Also called: FH IV; ALDOSTERONISM, PRIMARY, AND HYPERTENSION. Identifiers: Orphanet 642671, MedGen C4310756, MONDO:0014875, OMIM 617027.

gnomAD v4.1: 2 of 1,613,194 alleles (0.00012%); highest among the groups gnomAD compares: South Asian, 0.0011%; no homozygotes.

Submission:

Labcorp Genetics (formerly Invitae), Labcorp
Classification: Uncertain significance for Idiopathic generalized epilepsy; Hyperaldosteronism, familial, type IV. Last evaluated: 2022-09-27. Review status: criteria provided, single submitter. Criteria: Invitae Variant Classification Sherloc (09022015). Collection method: clinical testing. Allele origin: germline.
Comment: In summary, the available evidence is currently insufficient to determine the role of this variant in disease. Therefore, it has been classified as a Variant of Uncertain Significance. Advanced modeling of protein sequence and biophysical properties (such as structural, functional, and spatial information, amino acid conservation, physicochemical variation, residue mobility, and thermodynamic stability) performed at Invitae indicates that this missense variant is expected to disrupt CACNA1H protein function. ClinVar contains an entry for this variant (Variation ID: 1494201). This variant has not been reported in the literature in individuals affected with CACNA1H-related conditions. This variant is not present in population databases (gnomAD no frequency). This sequence change replaces leucine, which is neutral and non-polar, with phenylalanine, which is neutral and non-polar, at codon 998 of the CACNA1H protein (p.Leu998Phe).